The following is an entry in ClinVar:

NM_001165963.4(SCN1A):c.5510C>T (p.Pro1837Leu)

Genes: SCN1A (sodium voltage-gated channel alpha subunit 1; minus strand), LOC102724058 (uncharacterized LOC102724058; plus strand). Cytogenetic location: 2q24.3.
Variant type: single nucleotide variant.
Coding change: c.5510C>T on transcript NM_001165963.4 (MANE Select); coding-DNA position 5510, C replaced by T.
Protein change: p.Pro1837Leu; replaces proline 1837 with leucine.
Molecular consequence: missense variant. On other transcripts: non-coding transcript variant (1).
Genome position (GRCh38, 1-based): chr2:165,991,765, G>A on the plus strand (C>T on the coding strand, the complement: SCN1A is on the minus strand). VCF-style: chr2-165991765-G-A. GRCh37 (hg19) VCF-style: chr2-166848275-G-A.
Other names: p.P1837L:CCG>CTG; c.5426C>T, p.Pro1809Leu (NM_001165964.3, NM_001353957.2, NM_001353958.2); c.5510C>T, p.Pro1837Leu (NM_001202435.3, NM_001353948.2); c.5477C>T, p.Pro1826Leu (NM_001353949.2, NM_001353950.2, NM_001353951.2 and 2 more transcripts); c.5474C>T, p.Pro1825Leu (NM_001353954.2, NM_001353955.2); c.5423C>T, p.Pro1808Leu (NM_001353960.2); c.3068C>T, p.Pro1023Leu (NM_001353961.2); short protein forms P1826L, P1837L, P1825L, P1023L, P1808L, P1809L.
Identifiers: ClinVar variation 206868 (VCV000206868.18), dbSNP rs149225252, ClinGen allele CA317617.

ClinVar aggregate classification (germline): Conflicting classifications of pathogenicity. Review status: criteria provided, conflicting classifications (1 of 4 stars). 6 submissions from 6 submitters: Pathogenic (1); Likely pathogenic (1); Uncertain significance (4). Last evaluated 2026-03-03.

Conditions:
SCN1A-related disorder. Also called: SCN1A-related conditions; SCN1A-related condition; SCN1A-related disorders.
Early-infantile DEE. Also called: Ohtahara syndrome; Early infantile epileptic encephalopathy; Early infantile epileptic encephalopathy with suppression bursts. Identifiers: Orphanet 1934, MedGen C0393706, MONDO:0800491.
Generalized epilepsy with febrile seizures plus, type 2 (GEFSP2). Also called: GEFS+, TYPE 2. Identifiers: Orphanet 36387, MedGen C1858673, MONDO:0011461, OMIM 604403.

Allele frequency attached by ClinVar (database versions not stated): ExAC 0.00002; gnomAD exomes 0.00002; TOPMed 0.00002; gnomAD 0.00003; ESP Exome Variant Server 0.00008.

Submissions (6):

Women's Health and Genetics/Laboratory Corporation of America, LabCorp
Classification: Likely pathogenic for Generalized epilepsy with febrile seizures plus, type 2. Last evaluated: 2026-03-03. Review status: criteria provided, single submitter. Criteria: LabCorp Variant Classification Summary - May 2015. Collection method: clinical testing. Allele origin: germline.
Comment: Variant summary: SCN1A c.5510C>T (p.Pro1837Leu) results in a non-conservative amino acid change in the encoded protein sequence. Algorithms developed to predict the effect of missense changes on protein structure and function all suggest that this variant is likely to be disruptive. The variant allele was found at a frequency of 2.4e-05 in 250318 control chromosomes (gnomAD). c.5510C>T has been observed in individuals affected with SCN1A-Related Seizure Disorder (e.g. Xiong_2019, Chourasia_2024, Dong_2024, Wang_2025). These data indicate that the variant is likely to be associated with disease. To our knowledge, no experimental evidence demonstrating an impact on protein function has been reported. The following publications have been ascertained in the context of this evaluation (PMID: 31031587, 39357456, 38880818, 40521631). ClinVar contains an entry for this variant (Variation ID: 206868). Based on the evidence outlined above, the variant was classified as likely pathogenic.

3billion
Classification: Uncertain significance for SCN1A-related disorder. Last evaluated: 2025-12-05. Review status: criteria provided, single submitter. Criteria: ACMG Guidelines, 2015. Collection method: clinical testing. Allele origin: germline. Affected: yes.
Comment: The variant is observed at an extremely low frequency in the gnomAD v4.1.0 dataset (total allele frequency: <0.001%). Predicted Consequence/Location: Missense variant In silico tool predictions suggest damaging effect of the variant on gene or gene product [REVEL: 0.79 (>=0.6, sensitivity 0.68 and specificity 0.92); 3Cnet: 0.99 (> 0.75, sensitivity 0.96 and precision 0.92)]. The same nucleotide change resulting in the same amino acid change has been previously reported to be associated with SCN1A-related disorder (ClinVar ID: VCV000206868 /PMID: 31031587). A different missense change at the same codon (p.Pro1837Ser) has been reported to be associated with SCN1A-related disorder (PMID: 26183863). However, the evidence of pathogenicity is insufficient at this time. Therefore, this variant is classified as VUS according to the recommendation of ACMG/AMP guideline.

Labcorp Genetics (formerly Invitae), Labcorp
Classification: Pathogenic for Early-infantile DEE. Last evaluated: 2025-10-27. Review status: criteria provided, single submitter. Criteria: Invitae Variant Classification Sherloc (09022015). Collection method: clinical testing. Allele origin: germline.
Comment: This sequence change replaces proline, which is neutral and non-polar, with leucine, which is neutral and non-polar, at codon 1837 of the SCN1A protein (p.Pro1837Leu). This variant is present in population databases (rs149225252, gnomAD 0.01%). This missense change has been observed in individuals with clinical features of autosomal dominant SCN1A-related conditions (PMID: 31031587, 38880818; internal data). ClinVar contains an entry for this variant (Variation ID: 206868). Invitae Evidence Modeling of protein sequence and biophysical properties (such as structural, functional, and spatial information, amino acid conservation, physicochemical variation, residue mobility, and thermodynamic stability) indicates that this missense variant is expected to disrupt SCN1A protein function with a positive predictive value of 95%. For these reasons, this variant has been classified as Pathogenic.

GeneDx
Classification: Uncertain significance. Last evaluated: 2025-08-29. Review status: criteria provided, single submitter. Criteria: GeneDx Variant Classification Process June 2021. Collection method: clinical testing. Allele origin: germline. Affected: yes.
Comment: In silico analysis supports that this missense variant has a deleterious effect on protein structure/function; This substitution is predicted to be within the C-terminal cytoplasmic domain; This variant is associated with the following publications: (PMID: 39357456, 31031587, 38880818)

Blueprint Genetics
Classification: Uncertain significance. Last evaluated: 2024-04-24. Review status: criteria provided, single submitter. Criteria: ACMG Guidelines, 2015. Collection method: clinical testing. Allele origin: germline.

CENTOGENE GmbH and LLC - Guiding Precision Medicine
Classification: Uncertain significance for Generalized epilepsy with febrile seizures plus, type 2. Last evaluated: 2019-01-03. Review status: criteria provided, single submitter. Criteria: ACMG Guidelines, 2015. Collection method: clinical testing. Allele origin: germline.

Literature cited by the submitters: PubMed 31031587 (cited by 3 submitters); PubMed 39357456 (cited by Women's Health and Genetics/Laboratory Corporation of America, LabCorp); PubMed 38880818 (cited by Women's Health and Genetics/Laboratory Corporation of America, LabCorp and Labcorp Genetics (formerly Invitae), Labcorp); PubMed 40521631 (cited by Women's Health and Genetics/Laboratory Corporation of America, LabCorp); PubMed 26183863 (cited by 3billion).